The following is an entry in ClinVar:

ClinVar aggregate classification (germline): Conflicting classifications of pathogenicity. Review status: criteria provided, conflicting classifications (1 of 4 stars). 8 submissions from 8 submitters: Uncertain significance (7); Likely benign (1). Last evaluated 2025-12-30.

Conditions:
BRCA1-related cancer predisposition. Identifiers: MedGen CN377757, MONDO:0700268.
Hereditary cancer-predisposing syndrome. Also called: Tumor predisposition; Neoplastic Syndromes, Hereditary; Hereditary Cancer Syndrome; Hereditary neoplastic syndrome. Identifiers: Orphanet 140162, MedGen C0027672, MeSH D009386, MONDO:0015356.
Hereditary breast ovarian cancer syndrome. Also called: Hereditary breast and ovarian cancer syndrome; Hereditary breast and ovarian cancer; Hereditary breast and ovarian cancer syndrome (HBOC); Hereditary breast and/or ovarian cancer syndrome; Breast and ovarian cancer; BRCA1- and BRCA2-Associated Hereditary Breast and Ovarian Cancer. Identifiers: Orphanet 145, MedGen C0677776, MeSH D061325, MONDO:0003582. Disease mechanism: loss of function.

Allele frequency attached by ClinVar (database versions not stated): gnomAD exomes below 0.00001.
gnomAD v4.1: 5 of 1,613,340 alleles (0.00031%); highest among the groups gnomAD compares: Non-Finnish European, 0.00042%; no homozygotes.

Submissions (8):

Labcorp Genetics (formerly Invitae), Labcorp
Classification: Uncertain significance for Hereditary breast ovarian cancer syndrome. Last evaluated: 2025-12-30. Review status: criteria provided, single submitter. Criteria: Invitae Variant Classification Sherloc (09022015). Collection method: clinical testing. Allele origin: germline.
Comment: This sequence change replaces proline, which is neutral and non-polar, with glutamine, which is neutral and polar, at codon 570 of the BRCA1 protein (p.Pro570Gln). This variant is present in population databases (no rsID available, gnomAD 0.0009%). This variant has not been reported in the literature in individuals affected with BRCA1-related conditions. ClinVar contains an entry for this variant (Variation ID: 245965). Invitae Evidence Modeling of protein sequence and biophysical properties (such as structural, functional, and spatial information, amino acid conservation, physicochemical variation, residue mobility, and thermodynamic stability) indicates that this missense variant is not expected to disrupt BRCA1 protein function with a negative predictive value of 80%. In summary, the available evidence is currently insufficient to determine the role of this variant in disease. Therefore, it has been classified as a Variant of Uncertain Significance.

Ambry Genetics
Classification: Uncertain significance for Hereditary cancer-predisposing syndrome. Last evaluated: 2025-11-24. Review status: criteria provided, single submitter. Criteria: Ambry Variant Classification Scheme 2023. Collection method: clinical testing. Allele origin: germline.
Comment: The p.P570Q variant (also known as c.1709C>A), located in coding exon 9 of the BRCA1 gene, results from a C to A substitution at nucleotide position 1709. The proline at codon 570 is replaced by glutamine, an amino acid with similar properties. This amino acid position is not well conserved in available vertebrate species. In addition, this alteration is predicted to be deleterious by in silico analysis. Since supporting evidence is limited at this time, the clinical significance of this alteration remains unclear.

Quest Diagnostics Nichols Institute San Juan Capistrano
Classification: Uncertain significance. Last evaluated: 2025-10-19. Review status: criteria provided, single submitter. Criteria: Quest Diagnostics criteria. Collection method: clinical testing. Allele origin: unknown.
Comment: The BRCA1 c.1709C>A (p.Pro570Gln) variant has been reported in the published literature in a large scale breast cancer association study, in a reportedly unaffected individual (PMID: 33471991 (2021), see also LOVD), and as a somatic variant in an individual with oral cancer (PMID: 38188288 (2023)). This variant has also been described to be located in a region of the BRCA1 gene that is tolerant to missense sequence changes (PMID: 31911673 (2020)). The frequency of this variant in the general population (Genome Aggregation Database) is uninformative in the assessment of its pathogenicity. Analysis of this variant using bioinformatics tools for the prediction of the effect of amino acid changes on protein structure and function yielded predictions that this variant is benign. Based on the available information, we are unable to determine the clinical significance of this variant.

All of Us Research Program, National Institutes of Health
Classification: Uncertain significance for BRCA1-related cancer predisposition. Last evaluated: 2024-08-23. Review status: criteria provided, single submitter. Criteria: ACMG Guidelines, 2015. Collection method: clinical testing. Allele origin: germline. Inheritance: Autosomal dominant inheritance. Observed: 2 variant alleles, 2 heterozygotes.
Comment: This missense variant replaces proline with glutamine at codon 570 of the BRCA1 protein. Computational prediction suggests that this variant may not impact protein structure and function. To our knowledge, functional studies have not been reported for this variant. This variant has not been reported in individuals affected with BRCA1-related disorders in the literature. This variant has been identified in 1/250492 chromosomes in the general population by the Genome Aggregation Database (gnomAD). The available evidence is insufficient to determine the role of this variant in disease conclusively. Therefore, this variant is classified as a Variant of Uncertain Significance.

This study involves interpretation of variants in research participants for the purpose of population health screening. Participant phenotype was not available at the time of variant classification. Additional details can be found in publication PMID: 35346344, PMCID: PMC8962531

Color Diagnostics, LLC DBA Color Health
Classification: Uncertain significance for Hereditary cancer-predisposing syndrome. Last evaluated: 2024-08-07. Review status: criteria provided, single submitter. Criteria: ACMG Guidelines, 2015. Collection method: clinical testing. Allele origin: germline.
Comment: This missense variant replaces proline with glutamine at codon 570 of the BRCA1 protein. Computational prediction suggests that this variant may not impact protein structure and function. To our knowledge, functional studies have not been reported for this variant. This variant has not been reported in individuals affected with BRCA1-related disorders in the literature. This variant has been identified in 1/250492 chromosomes in the general population by the Genome Aggregation Database (gnomAD). The available evidence is insufficient to determine the role of this variant in disease conclusively. Therefore, this variant is classified as a Variant of Uncertain Significance.

GeneDx
Classification: Uncertain significance. Last evaluated: 2024-04-08. Review status: criteria provided, single submitter. Criteria: GeneDx Variant Classification Process June 2021. Collection method: clinical testing. Allele origin: germline. Affected: yes.
Comment: Not observed at significant frequency in large population cohorts (gnomAD); In silico analysis supports that this missense variant has a deleterious effect on protein structure/function; Has not been previously published as pathogenic or benign to our knowledge; Also known as 1828C>A; This variant is associated with the following publications: (PMID: 29884841, 15343273)

University of Washington Department of Laboratory Medicine, University of Washington
Classification: Likely benign for Hereditary cancer-predisposing syndrome. Last evaluated: 2023-03-23. Review status: criteria provided, single submitter. Criteria: Dines et al. (Genet Med. 2020). Collection method: curation. Allele origin: germline.
Comment: Missense variant in a coldspot region where missense variants are very unlikely to be pathogenic (PMID:31911673).

BRCA1 coldspot (exon 11 using historical exon numbering). Reclassification based on statistical prior probability

Women's Health and Genetics/Laboratory Corporation of America, LabCorp
Classification: Uncertain significance. Last evaluated: 2021-11-11. Review status: criteria provided, single submitter. Criteria: LabCorp Variant Classification Summary - May 2015. Collection method: clinical testing. Allele origin: germline.

Literature cited by the submitters: PubMed 38188288 (cited by Quest Diagnostics Nichols Institute San Juan Capistrano); PubMed 33471991 (cited by Quest Diagnostics Nichols Institute San Juan Capistrano); PubMed 31911673 (cited by Quest Diagnostics Nichols Institute San Juan Capistrano).

NM_007294.4(BRCA1):c.1709C>A (p.Pro570Gln)

Gene: BRCA1 (BRCA1 DNA repair associated; minus strand). Cytogenetic location: 17q21.31.
Variant type: single nucleotide variant.
Coding change: c.1709C>A on transcript NM_007294.4 (MANE Select); coding-DNA position 1709, C replaced by A.
Protein change: p.Pro570Gln; replaces proline 570 with glutamine.
Molecular consequence: missense variant. On other transcripts: intron variant (137).
Genome position (GRCh38, 1-based): chr17:43,093,822, G>T on the plus strand (C>A on the coding strand, the complement: BRCA1 is on the minus strand). VCF-style: chr17-43093822-G-T. GRCh37 (hg19) VCF-style: chr17-41245839-G-T.
Other names: c.1568C>A, p.Pro523Gln (NM_001407729.1, NM_001407730.1, NM_001407731.1 and 29 more transcripts); c.1565C>A, p.Pro522Gln (NM_001407740.1, NM_001407741.1, NM_001407742.1 and 20 more transcripts); c.1496C>A, p.Pro499Gln (NM_001407853.1, NM_001407894.1, NM_001407895.1 and 9 more transcripts); c.1709C>A, p.Pro570Gln (NM_001407854.1, NM_001407858.1, NM_001407859.1 and 30 more transcripts); c.1706C>A, p.Pro569Gln (NM_001407860.1, NM_001407861.1, NM_001407587.1 and 22 more transcripts); c.1508C>A, p.Pro503Gln (NM_001407862.1); c.1586C>A, p.Pro529Gln (NM_001407863.1, NM_001407919.1, NM_001407937.1 and 19 more transcripts); c.1505C>A, p.Pro502Gln (NM_001407874.1, NM_001407875.1); and 40 more; short protein forms P570Q, P523Q, P402Q, P443Q, P459Q, P500Q, P528Q, P529Q.
Identifiers: ClinVar variation 245965 (VCV000245965.31), dbSNP rs879254020, ClinGen allele CA10584570.
Genomic context (GRCh38, chr17:43,093,822, plus strand): 5'-CTGCTGCTTATAGGTTCAGCTTTCGTTTTGAAAGCAGATTCTTTTTCGAGTGATTCTATT[G>T]GGTTAGGATTTTTCTCATTCTGAATAGAATCACCTTTTGTTTTATTCTCATGACCACTAT-3'
Protein context (NP_009225.1, residues 560-580): DSIQNEKNPN[Pro570Gln]IESLEKESAF